The following is an entry in ClinVar:

ClinVar aggregate classification (germline): Likely benign (0 of 4 stars; one submission).

Conditions:
ABCG2-related disorder. Also called: ABCG2-related condition.

Allele frequency attached by ClinVar (database versions not stated): 1000 Genomes Project 30x 0.00078; 1000 Genomes Project 0.00100; ExAC 0.00264; ESP Exome Variant Server 0.00384.

Submissions (4):

PreventionGenetics, part of Exact Sciences
Classification: Likely benign for ABCG2-related condition. Last evaluated: 2021-02-23. Review status: no assertion criteria provided. Collection method: clinical testing. Allele origin: germline.
Comment: This variant is classified as likely benign based on ACMG/AMP sequence variant interpretation guidelines (Richards et al. 2015 PMID: 25741868, with internal and published modifications).

Dr. Peter K. Rogan Lab, Western University
No classification provided (evidence only). Condition: Sarcoma. Review status: no classification provided. Collection method: in vitro. Allele origin: not applicable. Functional consequence: retained intron. Not counted in ClinVar's aggregate classification.

Dr. Peter K. Rogan Lab, Western University
No classification provided (evidence only). Condition: Hepatocellular carcinoma. Review status: no classification provided. Collection method: in vitro. Allele origin: not applicable. Functional consequence: retained intron. Not counted in ClinVar's aggregate classification.

Dr. Peter K. Rogan Lab, Western University
No classification provided (evidence only). Condition: Gastric cancer. Review status: no classification provided. Collection method: in vitro. Allele origin: not applicable. Functional consequence: retained intron. Not counted in ClinVar's aggregate classification.

NM_004827.3(ABCG2):c.1060G>A (p.Gly354Arg)

Gene: ABCG2 (ATP binding cassette subfamily G member 2 (JR blood group); minus strand). Cytogenetic location: 4q22.1.
Variant type: single nucleotide variant.
Coding change: c.1060G>A on transcript NM_004827.3 (MANE Select); coding-DNA position 1060, G replaced by A.
Protein change: p.Gly354Arg; replaces glycine 354 with arginine.
Molecular consequence: missense variant.
Genome position (GRCh38, 1-based): chr4:88,113,437, C>T on the plus strand (G>A on the coding strand, the complement: ABCG2 is on the minus strand). VCF-style: chr4-88113437-C-T. GRCh37 (hg19) VCF-style: chr4-89034589-C-T.
Other names: NC_000004.11:g.89034589C>T; c.1060G>A, p.Gly354Arg (NM_001257386.2, NM_001348985.1, NM_001348986.2 and 2 more transcripts); c.1054G>A, p.Gly352Arg (NM_001348987.1); short protein forms G352R, G354R.
Identifiers: ClinVar variation 3044880 (VCV003044880.3), dbSNP rs138606116, ClinGen allele CA3004715.